The following is an entry in ClinVar:

NM_001365951.3(KIF1B):c.4640C>T (p.Ser1547Phe)

Gene: KIF1B (kinesin family member 1B; plus strand). Cytogenetic location: 1p36.22.
Variant type: single nucleotide variant.
Coding change: c.4640C>T on transcript NM_001365951.3 (MANE Select); coding-DNA position 4640, C replaced by T.
Protein change: p.Ser1547Phe; replaces serine 1547 with phenylalanine.
Molecular consequence: missense variant.
Genome position (GRCh38, 1-based): chr1:10,365,536, C>T. VCF-style: chr1-10365536-C-T. GRCh37 (hg19) VCF-style: chr1-10425594-C-T.
Other names: c.4640C>T, p.Ser1547Phe (NM_001365952.1); c.4502C>T, p.Ser1501Phe (NM_015074.3); short protein forms S1547F, S1501F.
Identifiers: ClinVar variation 1741057 (VCV001741057.2), dbSNP rs2521915342, ClinGen allele CA338322101.

ClinVar aggregate classification (germline): Uncertain significance (1 of 4 stars; one submission).

Submission:

Ambry Genetics
Classification: Uncertain significance. Last evaluated: 2022-09-29. Review status: criteria provided, single submitter. Criteria: Ambry Variant Classification Scheme 2023. Collection method: clinical testing. Allele origin: germline.
Comment: The p.S1501F variant (also known as c.4502C>T), located in coding exon 40 of the KIF1B gene, results from a C to T substitution at nucleotide position 4502. The serine at codon 1501 is replaced by phenylalanine, an amino acid with highly dissimilar properties. This amino acid position is highly conserved in available vertebrate species. In addition, the in silico prediction for this alteration is inconclusive. The evidence for this gene-disease relationship is limited; therefore, the clinical significance of this alteration is unclear.